The following is an entry in ClinVar:

ClinVar aggregate classification (germline): Likely benign. Review status: criteria provided, multiple submitters, no conflicts (2 of 4 stars). 2 submissions from 2 submitters: Likely benign (2). Last evaluated 2024-04-02.

Conditions:
Charcot-Marie-Tooth disease type 4. Also called: Charcot-Marie-Tooth disease, type IV; Charcot-Marie-Tooth, Type 4. Identifiers: Orphanet 64749, MedGen C4082197, MONDO:0018995.

Allele frequency attached by ClinVar (database versions not stated): gnomAD 0.00001; TOPMed 0.00001; gnomAD exomes 0.00002.
gnomAD v4.1: 27 of 1,613,658 alleles (0.0017%); highest among the groups gnomAD compares: East Asian, 0.016%; no homozygotes.

Submissions (2):

Labcorp Genetics (formerly Invitae), Labcorp
Classification: Likely benign for Charcot-Marie-Tooth disease type 4. Last evaluated: 2024-04-02. Review status: criteria provided, single submitter. Criteria: Invitae Variant Classification Sherloc (09022015). Collection method: clinical testing. Allele origin: germline.

CeGaT Center for Human Genetics Tuebingen
Classification: Likely benign. Last evaluated: 2022-05-01. Review status: criteria provided, single submitter. Criteria: CeGaT Center For Human Genetics Tuebingen Variant Classification Criteria Version 2. Collection method: clinical testing. Allele origin: germline. Affected: yes. Observed: 1 variant allele.
Comment: FIG4: BP4, BP7

NM_014845.6(FIG4):c.267G>A (p.Ala89=)

Gene: FIG4 (FIG4 phosphoinositide 5-phosphatase; plus strand). Cytogenetic location: 6q21.
Variant type: single nucleotide variant.
Coding change: c.267G>A on transcript NM_014845.6 (MANE Select); coding-DNA position 267, G replaced by A.
Protein change: p.Ala89=; no amino-acid change (alanine 89 retained).
Molecular consequence: synonymous variant.
Genome position (GRCh38, 1-based): chr6:109,716,546, G>A. VCF-style: chr6-109716546-G-A. GRCh37 (hg19) VCF-style: chr6-110037749-G-A.
Identifiers: ClinVar variation 2656833 (VCV002656833.27), dbSNP rs1401329392, ClinGen allele CA451754522.